The following is an entry in ClinVar:

NM_001379081.2(FREM1):c.3484C>G (p.Gln1162Glu)

Gene: FREM1 (FRAS1 related extracellular matrix 1; minus strand). Cytogenetic location: 9p22.3.
Variant type: single nucleotide variant.
Coding change: c.3484C>G on transcript NM_001379081.2 (MANE Select); coding-DNA position 3484, C replaced by G.
Protein change: p.Gln1162Glu; replaces glutamine 1162 with glutamic acid.
Molecular consequence: missense variant. On other transcripts: non-coding transcript variant (2).
Genome position (GRCh38, 1-based): chr9:14,801,862, G>C on the plus strand (C>G on the coding strand, the complement: FREM1 is on the minus strand). VCF-style: chr9-14801862-G-C. GRCh37 (hg19) VCF-style: chr9-14801860-G-C.
Other names: c.3484C>G, p.Gln1162Glu (NM_144966.7); c.3484C>G (NM_144966.5); short protein forms Q1162E.
Identifiers: ClinVar variation 2905110 (VCV002905110.4), dbSNP rs374011565, ClinGen allele CA4990528.
Genomic context (GRCh38, chr9:14,801,862, plus strand): 5'-CATCCTGGGGAATGTCCAGGTCCACAGCGCTGATGATGGAAGAGTCCAGCTCTTTCATCT[G>C]ACCCTCACACACCTGAGCAAGAACACATGAGAAAAGTCAACAATGCATAAAAGACAACTT-3'
Protein context (NP_001366010.1, residues 1152-1172): VVQNITVCEG[Gln1162Glu]MKELDSSIIS

ClinVar aggregate classification (germline): Uncertain significance. Review status: criteria provided, multiple submitters, no conflicts (2 of 4 stars). 2 submissions from 2 submitters: Uncertain significance (2). Last evaluated 2024-01-11.

Conditions:
Trigonocephaly 2 (TRIGNO2). Identifiers: Orphanet 3366, MedGen C3280974, MONDO:0013774, OMIM 614485.
BNAR syndrome. Also called: Bifid Nose With or Without Anorectal and Renal Anomalies (BNAR) Syndrome. Identifiers: Orphanet 217266, MedGen C2750433, MONDO:0012165, OMIM 608980.
Oculotrichoanal syndrome (MOTA). Also called: MARLES SYNDROME; Manitoba Oculotrichoanal (MOTA) Syndrome. Identifiers: Orphanet 2717, MedGen C1855425, MONDO:0009560, OMIM 248450.

Allele frequency attached by ClinVar (database versions not stated): gnomAD exomes below 0.00001; ExAC 0.00003; gnomAD 0.00004; TOPMed 0.00005; ESP Exome Variant Server 0.00016.
gnomAD v4.1: 9 of 1,612,088 alleles (0.00056%); highest among the groups gnomAD compares: African/African-American, 0.012%; no homozygotes.

Submissions (2):

Fulgent Genetics
Classification: Uncertain significance for Oculotrichoanal syndrome; BNAR syndrome; Trigonocephaly 2. Last evaluated: 2024-01-11. Review status: criteria provided, single submitter. Criteria: ACMG Guidelines, 2015. Collection method: clinical testing. Allele origin: germline.

Labcorp Genetics (formerly Invitae), Labcorp
Classification: Uncertain significance. Last evaluated: 2023-04-15. Review status: criteria provided, single submitter. Criteria: Invitae Variant Classification Sherloc (09022015). Collection method: clinical testing. Allele origin: germline.
Comment: This variant has not been reported in the literature in individuals affected with FREM1-related conditions. This variant is present in population databases (rs374011565, gnomAD 0.02%). This sequence change replaces glutamine, which is neutral and polar, with glutamic acid, which is acidic and polar, at codon 1162 of the FREM1 protein (p.Gln1162Glu). In summary, the available evidence is currently insufficient to determine the role of this variant in disease. Therefore, it has been classified as a Variant of Uncertain Significance. Advanced modeling of protein sequence and biophysical properties (such as structural, functional, and spatial information, amino acid conservation, physicochemical variation, residue mobility, and thermodynamic stability) has been performed at Invitae for this missense variant, however the output from this modeling did not meet the statistical confidence thresholds required to predict the impact of this variant on FREM1 protein function.